The following is an entry in ClinVar:

NM_004341.5(CAD):c.2646-3dup

Genes: CAD (carbamoyl-phosphate synthetase 2, aspartate transcarbamylase, and dihydroorotase; plus strand), LOC126806171 (BRD4-independent group 4 enhancer GRCh37_chr2:27454350-27455549; plus strand). Cytogenetic location: 2p23.3.
Variant type: Duplication.
Coding change: c.2646-3dup on transcript NM_004341.5 (MANE Select); 3 bases into the intron before coding-DNA position 2646, one base duplicated (T; older notation c.2646-3dupT).
Molecular consequence: intron variant.
Genome position (GRCh38, 1-based): chr2:27,232,445, T duplicated; the last of 4 consecutive T bases (chr2:27,232,442-27,232,445); duplicating any one gives the same sequence. VCF-style (leftmost placement, unchanged base first): chr2-27232441-A-AT. GRCh37 (hg19) VCF-style: chr2-27455309-A-AT.
Other names: c.2646-3dupT (NM_004341.4); c.2457-3dup (NM_001306079.2).
Identifiers: ClinVar variation 2775490 (VCV002775490.5), dbSNP rs768978262, ClinGen allele CA1573082.

ClinVar aggregate classification (germline): Benign. Review status: criteria provided, single submitter (1 of 4 stars). 2 submissions from 2 submitters: Benign (1). 1 of the submissions does not count toward it. Last evaluated 2025-10-02.

Conditions:
CAD-related disorder. Also called: CAD-related condition.

Submissions (2):

Labcorp Genetics (formerly Invitae), Labcorp
Classification: Benign. Last evaluated: 2025-10-02. Review status: criteria provided, single submitter. Criteria: Invitae Variant Classification Sherloc (09022015). Collection method: clinical testing. Allele origin: germline.

PreventionGenetics, part of Exact Sciences
Classification: Likely benign for CAD-related condition. Last evaluated: 2023-05-08. Review status: no assertion criteria provided. Collection method: clinical testing. Allele origin: germline. Not counted in ClinVar's aggregate classification.
Comment: This variant is classified as likely benign based on ACMG/AMP sequence variant interpretation guidelines (Richards et al. 2015 PMID: 25741868, with internal and published modifications).